The following is an entry in ClinVar:

ClinVar aggregate classification (germline): Pathogenic. Review status: criteria provided, multiple submitters, no conflicts (2 of 4 stars). 3 submissions from 3 submitters: Pathogenic (3). Last evaluated 2025-02-15.

Conditions:
Ullrich congenital muscular dystrophy 2 (UCMD2). Identifiers: Orphanet 75840, MedGen C4225314, MONDO:0014654, OMIM 616470.
Bethlem myopathy 2 (BTHLM2). Identifiers: Orphanet 536516, Orphanet 610, MedGen C4225313, MONDO:0034022, OMIM 616471.

Allele frequency attached by ClinVar (database versions not stated): gnomAD exomes below 0.00001; TOPMed 0.00001; gnomAD 0.00001.
gnomAD v4.1: 4 of 1,613,808 alleles (0.00025%); highest among the groups gnomAD compares: Non-Finnish European, 0.00034%; no homozygotes.

Submissions (3):

Labcorp Genetics (formerly Invitae), Labcorp
Classification: Pathogenic for Bethlem myopathy 2; Ullrich congenital muscular dystrophy 2. Last evaluated: 2025-02-15. Review status: criteria provided, single submitter. Criteria: Invitae Variant Classification Sherloc (09022015). Collection method: clinical testing. Allele origin: germline.
Comment: This sequence change creates a premature translational stop signal (p.Arg2021*) in the COL12A1 gene. It is expected to result in an absent or disrupted protein product. Loss-of-function variants in COL12A1 are known to be pathogenic (PMID: 24334604, 28973083). This variant is present in population databases (no rsID available, gnomAD 0.0009%). This variant has not been reported in the literature in individuals affected with COL12A1-related conditions. ClinVar contains an entry for this variant (Variation ID: 2506379). For these reasons, this variant has been classified as Pathogenic.

Division of Medical Genetics, Department of Pediatrics, All India Institute of Medical Sciences, New Delhi
Classification: Pathogenic for Ullrich congenital muscular dystrophy 2. Last evaluated: 2023-06-15. Review status: criteria provided, single submitter. Criteria: ACMG Guidelines, 2015. Collection method: research. Allele origin: germline. Affected: yes.

3billion
Classification: Pathogenic for Ullrich congenital muscular dystrophy 2. Review status: criteria provided, single submitter. Criteria: ACMG Guidelines, 2015. Collection method: clinical testing. Allele origin: unknown. Affected: yes. Observed: 1 homozygote.
Comment: The homozygous variant is observed at an extremely low frequency in the gnomAD v2.1.1 dataset (total allele frequency: <0.001%). This stop-gained (nonsense) variant is predicted to result in a loss or disruption of normal protein function through nonsense-mediated decay (NMD) or protein truncation. Multiple pathogenic variants are reported downstream of the variant. Therefore, this variant is classified as pathogenic according to the recommendation of ACMG/AMP guideline.

Literature cited by the submitters: PubMed 24334604 (cited by Labcorp Genetics (formerly Invitae), Labcorp); PubMed 28973083 (cited by Labcorp Genetics (formerly Invitae), Labcorp).

NM_004370.6(COL12A1):c.6061C>T (p.Arg2021Ter)

Gene: COL12A1 (collagen type XII alpha 1 chain; minus strand). Cytogenetic location: 6q13.
Variant type: single nucleotide variant.
Coding change: c.6061C>T on transcript NM_004370.6 (MANE Select); coding-DNA position 6061, C replaced by T.
Protein change: p.Arg2021Ter; replaces arginine 2021 with a stop codon.
Molecular consequence: nonsense.
Genome position (GRCh38, 1-based): chr6:75,130,858, G>A on the plus strand (C>T on the coding strand, the complement: COL12A1 is on the minus strand). VCF-style: chr6-75130858-G-A. GRCh37 (hg19) VCF-style: chr6-75840574-G-A.
Other names: c.2569C>T, p.Arg857Ter (NM_080645.3); short protein forms R2021*, R857*.
Identifiers: ClinVar variation 2506379 (VCV002506379.5), dbSNP rs1333110706, ClinGen allele CA364732284.
Genomic context (GRCh38, chr6:75,130,858, plus strand): 5'-GCCCTGCCAATCTAGCTACAAGGGAATGGAATGGAGAAAGGATTTCTGCCTCACGCGTTC[G>A]GCCCTGGGCAGGGCTGGGATTTCCCTCTCCATCCGAGTACAGAGCCACAAGGTTCACGGA-3'